The following is an entry in ClinVar:

ClinVar aggregate classification (germline): Uncertain significance. Review status: criteria provided, multiple submitters, no conflicts (2 of 4 stars). 2 submissions from 2 submitters: Uncertain significance (2). Last evaluated 2025-05-27.

Conditions:
Hereditary cancer-predisposing syndrome. Also called: Tumor predisposition; Hereditary neoplastic syndrome; Neoplastic Syndromes, Hereditary; Hereditary Cancer Syndrome. Identifiers: Orphanet 140162, MedGen C0027672, MeSH D009386, MONDO:0015356.

Submissions (2):

Labcorp Genetics (formerly Invitae), Labcorp
Classification: Uncertain significance. Last evaluated: 2025-05-27. Review status: criteria provided, single submitter. Criteria: Invitae Variant Classification Sherloc (09022015). Collection method: clinical testing. Allele origin: germline.
Comment: This sequence change replaces threonine, which is neutral and polar, with alanine, which is neutral and non-polar, at codon 2245 of the POLE protein (p.Thr2245Ala). This variant is not present in population databases (gnomAD no frequency). This variant has not been reported in the literature in individuals affected with POLE-related conditions. ClinVar contains an entry for this variant (Variation ID: 2156332). Invitae Evidence Modeling of protein sequence and biophysical properties (such as structural, functional, and spatial information, amino acid conservation, physicochemical variation, residue mobility, and thermodynamic stability) indicates that this missense variant is not expected to disrupt POLE protein function with a negative predictive value of 80%. In summary, the available evidence is currently insufficient to determine the role of this variant in disease. Therefore, it has been classified as a Variant of Uncertain Significance.

Ambry Genetics
Classification: Uncertain significance for Hereditary cancer-predisposing syndrome. Last evaluated: 2024-09-30. Review status: criteria provided, single submitter. Criteria: Ambry Variant Classification Scheme 2023. Collection method: clinical testing. Allele origin: germline.
Comment: The p.T2245A variant (also known as c.6733A>G), located in coding exon 48 of the POLE gene, results from an A to G substitution at nucleotide position 6733. The threonine at codon 2245 is replaced by alanine, an amino acid with similar properties. This amino acid position is conserved. In addition, this alteration is predicted to be tolerated by in silico analysis. Based on the available evidence, the clinical significance of this variant remains unclear.

NM_006231.4(POLE):c.6733A>G (p.Thr2245Ala)

Gene: POLE (DNA polymerase epsilon, catalytic subunit; minus strand). Cytogenetic location: 12q24.33.
Variant type: single nucleotide variant.
Coding change: c.6733A>G on transcript NM_006231.4 (MANE Select); coding-DNA position 6733, A replaced by G.
Protein change: p.Thr2245Ala; replaces threonine 2245 with alanine.
Molecular consequence: missense variant.
Genome position (GRCh38, 1-based): chr12:132,624,919, T>C on the plus strand (A>G on the coding strand, the complement: POLE is on the minus strand). VCF-style: chr12-132624919-T-C. GRCh37 (hg19) VCF-style: chr12-133201505-T-C.
Other names: c.6733A>G (NM_006231.2); short protein forms T2245A.
Identifiers: ClinVar variation 2156332 (VCV002156332.5), dbSNP rs1593694033, ClinGen allele CA387366025.